The following is an entry in ClinVar:

NM_002454.3(MTRR):c.304A>C (p.Thr102Pro)

Gene: MTRR (5-methyltetrahydrofolate-homocysteine methyltransferase reductase; plus strand). Cytogenetic location: 5p15.31.
Variant type: single nucleotide variant.
Coding change: c.304A>C on transcript NM_002454.3 (MANE Select); coding-DNA position 304, A replaced by C.
Protein change: p.Thr102Pro; replaces threonine 102 with proline.
Molecular consequence: missense variant. On other transcripts: non-coding transcript variant (14).
Genome position (GRCh38, 1-based): chr5:7,875,278, A>C. VCF-style: chr5-7875278-A-C. GRCh37 (hg19) VCF-style: chr5-7875391-A-C.
Other names: c.304A>C, p.Thr102Pro (NM_001364440.2, NM_001364441.2, NM_001364442.2 and 1 more transcripts); c.304A>C (NM_002454.2); short protein forms T102P.
Identifiers: ClinVar variation 2167769 (VCV002167769.2), dbSNP rs762091582, ClinGen allele CA3195559.
Genomic context (GRCh38, chr5:7,875,278, plus strand): 5'-AAACTTTATTGTGCATTAATTATGTATTTGGGTTCTCTAGGTCTCGGTGATTCAGAATAC[A>C]CCTACTTTTGCAATGGGGGGAAGATAATTGATAAACGACTTCAAGAGCTTGGAGCCCGGC-3'
Protein context (NP_002445.2, residues 92-112): GLLGLGDSEY[Thr102Pro]YFCNGGKIID

ClinVar aggregate classification (germline): Uncertain significance. Review status: criteria provided, multiple submitters, no conflicts (2 of 4 stars). 2 submissions from 2 submitters: Uncertain significance (2). Last evaluated 2024-11-25.

Conditions:
Inborn genetic diseases. Identifiers: MedGen C0950123, MeSH D030342.
Methylcobalamin deficiency type cblE (HMAE). Also called: HOMOCYSTINURIA-MEGALOBLASTIC ANEMIA, cblE COMPLEMENTATION TYPE; VITAMIN B12-RESPONSIVE HOMOCYSTINURIA, cblE TYPE; HOMOCYSTINURIA-MEGALOBLASTIC ANEMIA, cblE TYPE. Identifiers: Orphanet 2169, Orphanet 622, MedGen C1856057, MONDO:0009354, OMIM 236270.

Allele frequency attached by ClinVar (database versions not stated): gnomAD 0.00001; TOPMed 0.00001.
gnomAD v4.1: 10 of 1,613,234 alleles (0.00062%); highest among the groups gnomAD compares: East Asian, 0.022%; no homozygotes.

Submissions (2):

Ambry Genetics
Classification: Uncertain significance for Inborn genetic diseases. Last evaluated: 2024-11-25. Review status: criteria provided, single submitter. Criteria: Ambry Variant Classification Scheme 2023. Collection method: clinical testing. Allele origin: germline.

Labcorp Genetics (formerly Invitae), Labcorp
Classification: Uncertain significance for Methylcobalamin deficiency type cblE. Last evaluated: 2021-08-20. Review status: criteria provided, single submitter. Criteria: Invitae Variant Classification Sherloc (09022015). Collection method: clinical testing. Allele origin: germline.
Comment: This sequence change replaces threonine with proline at codon 102 of the MTRR protein (p.Thr102Pro). The threonine residue is moderately conserved and there is a small physicochemical difference between threonine and proline. This variant is present in population databases (rs762091582, ExAC 0.05%). This variant has not been reported in the literature in individuals affected with MTRR-related conditions. Algorithms developed to predict the effect of missense changes on protein structure and function are either unavailable or do not agree on the potential impact of this missense change (SIFT: "Tolerated"; PolyPhen-2: "Probably Damaging"; Align-GVGD: "Class C0"). In summary, the available evidence is currently insufficient to determine the role of this variant in disease. Therefore, it has been classified as a Variant of Uncertain Significance.